The following is an entry in ClinVar:

NM_000391.4(TPP1):c.1002C>T (p.Ser334=)

Gene: TPP1 (tripeptidyl peptidase 1; minus strand). Cytogenetic location: 11p15.4.
Variant type: single nucleotide variant.
Coding change: c.1002C>T on transcript NM_000391.4 (MANE Select); coding-DNA position 1002, C replaced by T.
Protein change: p.Ser334=; no amino-acid change (serine 334 retained).
Molecular consequence: synonymous variant.
Genome position (GRCh38, 1-based): chr11:6,616,388, G>A on the plus strand (C>T on the coding strand, the complement: TPP1 is on the minus strand). VCF-style: chr11-6616388-G-A. GRCh37 (hg19) VCF-style: chr11-6637619-G-A.
Other names: p.S334S:AGC>AGT.
Identifiers: ClinVar variation 207554 (VCV000207554.9), dbSNP rs796053432, ClinGen allele CA319137.
Genomic context (GRCh38, chr11:6,616,388, plus strand): 5'-CAGGGTGAGACCCCGAGCGGCAGCCTTCATGAGCTCAGTGTTGACCCGCTGGATGTAGGC[G>A]CTGCTGAGGGAGTCCTCATCATCTCCATAGCTCACAGTATGCACATGTGGCAGGGCTGAC-3'
Protein context (NP_000382.3, residues 324-344): SYGDDEDSLS[Ser334=]AYIQRVNTEL

ClinVar aggregate classification (germline): Benign/Likely benign. Review status: criteria provided, multiple submitters, no conflicts (2 of 4 stars). 3 submissions from 3 submitters: Benign (1); Likely benign (2). Last evaluated 2026-02-02.

Allele frequency attached by ClinVar (database versions not stated): gnomAD below 0.00001 and 0.00001; TOPMed below 0.00001.

Submissions (3):

Labcorp Genetics (formerly Invitae), Labcorp
Classification: Likely benign. Last evaluated: 2026-02-02. Review status: criteria provided, single submitter. Criteria: Invitae Variant Classification Sherloc (09022015). Collection method: clinical testing. Allele origin: germline.

Blueprint Genetics
Classification: Likely benign. Last evaluated: 2024-03-20. Review status: criteria provided, single submitter. Criteria: ACMG Guidelines, 2015. Collection method: clinical testing. Allele origin: germline.

GeneDx
Classification: Benign. Last evaluated: 2014-07-07. Review status: criteria provided, single submitter. Criteria: GeneDx Variant Classification (06012015). Collection method: clinical testing. Allele origin: germline. Affected: yes.
Comment: This variant is considered likely benign or benign based on one or more of the following criteria: it is a conservative change, it occurs at a poorly conserved position in the protein, it is predicted to be benign by multiple in silico algorithms, and/or has population frequency not consistent with disease.